The following is an entry in ClinVar:

ClinVar aggregate classification (germline): Uncertain significance (1 of 4 stars; one submission).

Conditions:
Galactosylceramide beta-galactosidase deficiency. Also called: GALACTOCEREBROSIDASE DEFICIENCY; GALC DEFICIENCY; GLOBOID CELL LEUKOENCEPHALOPATHY; Leukodystrophy, Globoid Cell; Krabbe Disease. Identifiers: Orphanet 487, MedGen C0023521, MONDO:0009499, OMIM 245200.

gnomAD v4.1: 20 of 1,579,164 alleles (0.0013%); highest among the groups gnomAD compares: Admixed American, 0.0018%; no homozygotes.

Submission:

Labcorp Genetics (formerly Invitae), Labcorp
Classification: Uncertain significance for Galactosylceramide beta-galactosidase deficiency. Last evaluated: 2022-04-10. Review status: criteria provided, single submitter. Criteria: Invitae Variant Classification Sherloc (09022015). Collection method: clinical testing. Allele origin: germline.
Comment: This sequence change replaces alanine, which is neutral and non-polar, with serine, which is neutral and polar, at codon 27 of the GALC protein (p.Ala27Ser). This variant is not present in population databases (gnomAD no frequency). This variant has not been reported in the literature in individuals affected with GALC-related conditions. Advanced modeling of protein sequence and biophysical properties (such as structural, functional, and spatial information, amino acid conservation, physicochemical variation, residue mobility, and thermodynamic stability) performed at Invitae indicates that this missense variant is not expected to disrupt GALC protein function. In summary, the available evidence is currently insufficient to determine the role of this variant in disease. Therefore, it has been classified as a Variant of Uncertain Significance.

NM_000153.4(GALC):c.79G>T (p.Ala27Ser)

Gene: GALC (galactosylceramidase; minus strand). Cytogenetic location: 14q31.3.
Variant type: single nucleotide variant.
Coding change: c.79G>T on transcript NM_000153.4 (MANE Select); coding-DNA position 79, G replaced by T.
Protein change: p.Ala27Ser; replaces alanine 27 with serine.
Molecular consequence: missense variant. On other transcripts: intron variant (1).
Genome position (GRCh38, 1-based): chr14:87,993,086, C>A on the plus strand (G>T on the coding strand, the complement: GALC is on the minus strand). VCF-style: chr14-87993086-C-A. GRCh37 (hg19) VCF-style: chr14-88459430-C-A.
Other names: c.79G>T, p.Ala27Ser (NM_001201401.2); c.117+297G>T (NM_001201402.2); short protein forms A27S.
Identifiers: ClinVar variation 1981500 (VCV001981500.1), dbSNP rs1441656888, ClinGen allele CA390771930.